The following is an entry in ClinVar:

NM_018089.3(ANKZF1):c.1106_1109del (p.Val369fs)

Gene: ANKZF1 (ankyrin repeat and zinc finger peptidyl tRNA hydrolase 1; plus strand). Cytogenetic location: 2q35.
Variant type: Deletion.
Coding change: c.1106_1109del on transcript NM_018089.3 (MANE Select); coding-DNA positions 1106 to 1109, 4 bases deleted (TAAG; older notation c.1106_1109delTAAG).
Protein change: p.Val369fs; shifts the reading frame from valine 369.
Molecular consequence: frameshift variant.
Genome position (GRCh38, 1-based): chr2:219,234,190-219,234,193, TAAG deleted; deleting any 4 consecutive bases within chr2:219,234,188-219,234,193 gives the same sequence; the c. name uses the placement nearest the transcript's 3' end. VCF-style (leftmost placement, unchanged base first): chr2-219234187-CAGTA-C. GRCh37 (hg19) VCF-style: chr2-220098909-CAGTA-C.
Other names: c.1106_1109del, p.Val369fs (NM_001042410.2); c.476_479del, p.Val159fs (NM_001282792.2); short protein forms V369fs, V159fs.
Identifiers: ClinVar variation 2125928 (VCV002125928.4), dbSNP rs1559256228, ClinGen allele CA539632213.

ClinVar aggregate classification (germline): Uncertain significance (1 of 4 stars; one submission).

Submission:

Labcorp Genetics (formerly Invitae), Labcorp
Classification: Uncertain significance. Last evaluated: 2023-05-22. Review status: criteria provided, single submitter. Criteria: Invitae Variant Classification Sherloc (09022015). Collection method: clinical testing. Allele origin: germline.
Comment: This variant has not been reported in the literature in individuals affected with ANKZF1-related conditions. In summary, the available evidence is currently insufficient to determine the role of this variant in disease. Therefore, it has been classified as a Variant of Uncertain Significance. Algorithms developed to predict the effect of sequence changes on RNA splicing suggest that this variant may disrupt the consensus splice site. ClinVar contains an entry for this variant (Variation ID: 2125928). This variant is present in population databases (no rsID available, gnomAD 0.003%). This sequence change creates a premature translational stop signal (p.Val369Glufs*12) in the ANKZF1 gene. It is expected to result in an absent or disrupted protein product. However, the current clinical and genetic evidence is not sufficient to establish whether loss-of-function variants in ANKZF1 cause disease.